The following is an entry in ClinVar:

ClinVar aggregate classification (germline): Conflicting classifications of pathogenicity. Review status: criteria provided, conflicting classifications (1 of 4 stars). 9 submissions from 9 submitters: Uncertain significance (3); Likely benign (5). 1 of the submissions does not count toward it. Last evaluated 2025-06-13.

Conditions:
Hereditary cancer-predisposing syndrome. Also called: Hereditary Cancer Syndrome; Hereditary neoplastic syndrome; Neoplastic Syndromes, Hereditary; Tumor predisposition. Identifiers: Orphanet 140162, MedGen C0027672, MeSH D009386, MONDO:0015356.
Hereditary breast ovarian cancer syndrome. Also called: BRCA1- and BRCA2-Associated Hereditary Breast and Ovarian Cancer; Hereditary breast and ovarian cancer syndrome; Hereditary breast and ovarian cancer syndrome (HBOC); Breast and ovarian cancer; Hereditary breast and/or ovarian cancer syndrome; Hereditary breast and ovarian cancer. Identifiers: Orphanet 145, MedGen C0677776, MeSH D061325, MONDO:0003582. Disease mechanism: loss of function.
BRCA1-related cancer predisposition. Identifiers: MedGen CN377757, MONDO:0700268.
Breast-ovarian cancer, familial, susceptibility to, 1 (BROVCA1). Also called: BRCA1 Hereditary Breast and Ovarian Cancer; OVARIAN CANCER, SUSCEPTIBILITY TO. Identifiers: Orphanet 145, MedGen C2676676, MONDO:0011450, OMIM 604370. Disease mechanism: loss of function.

Allele frequency attached by ClinVar (database versions not stated): gnomAD exomes below 0.00001; ExAC 0.00001.
gnomAD v4.1: 2 of 1,613,882 alleles (0.00012%); highest among the groups gnomAD compares: Non-Finnish European, 0.00017%; no homozygotes.

Submissions (9):

Quest Diagnostics Nichols Institute San Juan Capistrano
Classification: Uncertain significance. Last evaluated: 2025-06-13. Review status: criteria provided, single submitter. Criteria: Quest Diagnostics criteria. Collection method: clinical testing. Allele origin: unknown.
Comment: The BRCA1 c.572T>A (p.Val191Asp) variant has not been reported in individuals with BRCA1-related conditions in the published literature, to the best of our knowledge. Assessment of experimental analysis yielded inconclusive results regarding the impact of this variant on protein function (PMIDs: 23161852 (2013), 31131967 (2019)). The frequency of this variant in the general population (Genome Aggregation Database) is uninformative in the assessment of its pathogenicity. Based on the available information, we are unable to determine the clinical significance of this variant.

Labcorp Genetics (formerly Invitae), Labcorp
Classification: Likely benign for Hereditary breast ovarian cancer syndrome. Last evaluated: 2024-10-03. Review status: criteria provided, single submitter. Criteria: Invitae Variant Classification Sherloc (09022015). Collection method: clinical testing. Allele origin: germline.

All of Us Research Program, National Institutes of Health
Classification: Likely benign for BRCA1-related cancer predisposition. Last evaluated: 2024-06-17. Review status: criteria provided, single submitter. Criteria: ACMG Guidelines, 2015. Collection method: clinical testing. Allele origin: germline. Inheritance: Autosomal dominant inheritance. Observed: 1 variant allele, 1 heterozygote.
Comment: This study involves interpretation of variants in research participants for the purpose of population health screening. Participant phenotype was not available at the time of variant classification. Additional details can be found in publication PMID: 35346344, PMCID: PMC8962531

GeneDx
Classification: Uncertain significance. Last evaluated: 2023-05-03. Review status: criteria provided, single submitter. Criteria: GeneDx Variant Classification Process June 2021. Collection method: clinical testing. Allele origin: germline. Affected: yes.
Comment: Not observed at significant frequency in large population cohorts (gnomAD); In silico analysis supports that this missense variant has a deleterious effect on protein structure/function; Published functional studies demonstrate homology directed-repair activity and cell survival comparable to wild-type, but reduced protein expression and single-strand annealing activity (Towler et al., 2013; Starita et al., 2018; Billaud et al., 2021); Also known as 691T>A; This variant is associated with the following publications: (PMID: 15385441, 23161852, 31131967, 30219179, 9788437, 20215511, 34749799, 37090572, 29884841, 27535533, 32377563)

Blueprint Genetics
Classification: Likely benign. Last evaluated: 2021-01-18. Review status: criteria provided, single submitter. Criteria: ACMG Guidelines, 2015. Collection method: clinical testing. Allele origin: germline.

Ambry Genetics
Classification: Likely benign for Hereditary cancer-predisposing syndrome. Last evaluated: 2018-12-19. Review status: criteria provided, single submitter. Criteria: Ambry Variant Classification Scheme 2023. Collection method: clinical testing. Allele origin: germline.

Women's Health and Genetics/Laboratory Corporation of America, LabCorp
Classification: Uncertain significance. Last evaluated: 2018-09-25. Review status: criteria provided, single submitter. Criteria: LabCorp Variant Classification Summary - May 2015. Collection method: clinical testing. Allele origin: germline.
Comment: Variant summary: BRCA1 c.572T>A (p.Val191Asp) results in a non-conservative amino acid change in the encoded protein sequence. Three of five in-silico tools predict a damaging effect of the variant on protein function. The variant allele was found at a frequency of 4.1e-06 in 246176 control chromosomes (gnomAD). To our knowledge, no occurrence of c.572T>A in individuals affected with Hereditary Breast and Ovarian Cancer has been reported. A functional study, Towler_2013, found the variant to act comparable to wild type in HDR activity. However, the SSA activity was significantly decreased (~40% of WT activity), although the protein expression was also reduced. Two ClinVar submission from clinical diagnostic laboratories (evaluation after 2014) cite the variant as uncertain significance and likely benign. Based on the evidence outlined above, the variant was classified as uncertain significance.

Color Diagnostics, LLC DBA Color Health
Classification: Likely benign for Hereditary cancer-predisposing syndrome. Last evaluated: 2016-01-14. Review status: criteria provided, single submitter. Criteria: ACMG Guidelines, 2015. Collection method: clinical testing. Allele origin: germline.

Breast Cancer Information Core (BIC) (BRCA1)
Classification: Uncertain significance for Breast-ovarian cancer, familial 1. Last evaluated: 2002-05-29. Review status: no assertion criteria provided. Collection method: clinical testing. Allele origin: germline. Affected: yes. Observed: 1 variant allele. Not counted in ClinVar's aggregate classification.

Literature cited by the submitters: PubMed 23161852 (cited by 3 submitters); PubMed 31131967 (cited by Quest Diagnostics Nichols Institute San Juan Capistrano); PubMed 35979650 (cited by Quest Diagnostics Nichols Institute San Juan Capistrano).

NM_007294.4(BRCA1):c.572T>A (p.Val191Asp)

Gene: BRCA1 (BRCA1 DNA repair associated; minus strand). Cytogenetic location: 17q21.31.
Variant type: single nucleotide variant.
Coding change: c.572T>A on transcript NM_007294.4 (MANE Select); coding-DNA position 572, T replaced by A.
Protein change: p.Val191Asp; replaces valine 191 with aspartic acid.
Molecular consequence: missense variant. On other transcripts: non-coding transcript variant (1).
Genome position (GRCh38, 1-based): chr17:43,097,265, A>T on the plus strand (T>A on the coding strand, the complement: BRCA1 is on the minus strand). VCF-style: chr17-43097265-A-T. GRCh37 (hg19) VCF-style: chr17-41249282-A-T.
Other names: c.359T>A, p.Val120Asp (NM_001407571.1, NM_001407853.1, NM_001407894.1 and 12 more transcripts); c.572T>A, p.Val191Asp (NM_001407581.1, NM_001407582.1, NM_001407583.1 and 59 more transcripts); c.569T>A, p.Val190Asp (NM_001407587.1, NM_001407590.1, NM_001407591.1 and 41 more transcripts); c.563T>A, p.Val188Asp (NM_001407646.1, NM_001407647.1, NM_001408408.1); c.494T>A, p.Val165Asp (NM_001407653.1, NM_001407654.1, NM_001407655.1 and 9 more transcripts); c.491T>A, p.Val164Asp (NM_001407659.1, NM_001407660.1, NM_001407661.1 and 3 more transcripts); c.431T>A, p.Val144Asp (NM_001407692.1, NM_001407694.1, NM_001407695.1 and 43 more transcripts); c.428T>A, p.Val143Asp (NM_001407740.1, NM_001407741.1, NM_001407742.1 and 26 more transcripts); and 4 more; short protein forms V191D, V144D, V143D, V188D, V63D, V120D, V146D, V121D.
Identifiers: ClinVar variation 55641 (VCV000055641.25), dbSNP rs80357142, ClinGen allele CA003744.